The following is an entry in ClinVar:

NM_020461.4(TUBGCP6):c.2021C>T (p.Ala674Val)

Gene: TUBGCP6 (tubulin gamma complex component 6; minus strand). Cytogenetic location: 22q13.33.
Variant type: single nucleotide variant.
Coding change: c.2021C>T on transcript NM_020461.4 (MANE Select); coding-DNA position 2021, C replaced by T.
Protein change: p.Ala674Val; replaces alanine 674 with valine.
Molecular consequence: missense variant.
Genome position (GRCh38, 1-based): chr22:50,224,555, G>A on the plus strand (C>T on the coding strand, the complement: TUBGCP6 is on the minus strand). VCF-style: chr22-50224555-G-A. GRCh37 (hg19) VCF-style: chr22-50662984-G-A.
Other names: short protein forms A674V.
Identifiers: ClinVar variation 212507 (VCV000212507.25), dbSNP rs35446002, ClinGen allele CA209629.

ClinVar aggregate classification (germline): Benign/Likely benign. Review status: criteria provided, multiple submitters, no conflicts (2 of 4 stars). 6 submissions from 6 submitters: Benign (1); Likely benign (5). Last evaluated 2026-02-01.

Allele frequency attached by ClinVar (database versions not stated): gnomAD exomes 0.00088; ESP Exome Variant Server 0.00269; gnomAD 0.00357; TOPMed 0.00385; 1000 Genomes Project 30x 0.00515; 1000 Genomes Project 0.00519.
gnomAD v4.1: 1,059 of 1,614,142 alleles (0.066%); highest among the groups gnomAD compares: African/African-American, 1.3%; 10 homozygotes.

Submissions (6):

CeGaT Center for Human Genetics Tuebingen
Classification: Likely benign. Last evaluated: 2026-02-01. Review status: criteria provided, single submitter. Criteria: CeGaT Center For Human Genetics Tuebingen Variant Classification Criteria Version 2. Collection method: clinical testing. Allele origin: germline. Affected: yes. Observed: 1 variant allele.
Comment: TUBGCP6: BP4, BS1

Labcorp Genetics (formerly Invitae), Labcorp
Classification: Benign. Last evaluated: 2026-01-24. Review status: criteria provided, single submitter. Criteria: Invitae Variant Classification Sherloc (09022015). Collection method: clinical testing. Allele origin: germline.

Blueprint Genetics
Classification: Likely benign. Last evaluated: 2024-11-14. Review status: criteria provided, single submitter. Criteria: ACMG Guidelines, 2015. Collection method: clinical testing. Allele origin: germline.

GeneDx
Classification: Likely benign. Last evaluated: 2020-01-29. Review status: criteria provided, single submitter. Criteria: GeneDx Variant Classification Process June 2021. Collection method: clinical testing. Allele origin: germline. Affected: yes.

Genetic Services Laboratory, University of Chicago
Classification: Likely benign. Last evaluated: 2015-03-24. Review status: criteria provided, single submitter. Criteria: ACMG Guidelines, 2015. Collection method: clinical testing. Allele origin: germline.

Breakthrough Genomics
Classification: Likely benign. Review status: criteria provided, single submitter. Criteria: ACMG Guidelines, 2015. Collection method: not provided. Allele origin: germline. Inheritance: Autosomal recessive inheritance. Affected: yes.